The following is an entry in ClinVar:

ClinVar aggregate classification (germline): Likely benign. Review status: criteria provided, multiple submitters, no conflicts (2 of 4 stars). 2 submissions from 2 submitters: Likely benign (2). Last evaluated 2025-10-28.

Conditions:
Tuberous sclerosis 1 (TSC1). Identifiers: Orphanet 805, MedGen C1854465, MONDO:0008612, OMIM 191100.

Allele frequency attached by ClinVar (database versions not stated): gnomAD exomes below 0.00001.
gnomAD v4.1: 1 of 1,613,236 alleles (0.000062%); highest among the groups gnomAD compares: Non-Finnish European, 0.000085%; no homozygotes.

Submissions (2):

Labcorp Genetics (formerly Invitae), Labcorp
Classification: Likely benign for Tuberous sclerosis 1. Last evaluated: 2025-10-28. Review status: criteria provided, single submitter. Criteria: Invitae Variant Classification Sherloc (09022015). Collection method: clinical testing. Allele origin: germline.

Myriad Genetics, Inc.
Classification: Likely benign for Tuberous sclerosis 1. Last evaluated: 2025-04-07. Review status: criteria provided, single submitter. Criteria: Myriad Autosomal Dominant, Autosomal Recessive and X-Linked Classification Criteria (2023). Collection method: clinical testing. Allele origin: unknown.
Comment: This variant is considered likely benign. This variant is intronic and is not expected to impact mRNA splicing.

NM_000368.5(TSC1):c.210+7G>T

Gene: TSC1 (TSC complex subunit 1; minus strand). Cytogenetic location: 9q34.13.
Variant type: single nucleotide variant.
Coding change: c.210+7G>T on transcript NM_000368.5 (MANE Select); 7 bases into the intron after coding-DNA position 210, G replaced by T.
Molecular consequence: intron variant.
Genome position (GRCh38, 1-based): chr9:132,927,194, C>A on the plus strand (G>T on the coding strand, the complement: TSC1 is on the minus strand). VCF-style: chr9-132927194-C-A. GRCh37 (hg19) VCF-style: chr9-135802581-C-A.
Other names: c.-153-1455G>T (NM_001362177.2); c.210+7G>T (NM_001162427.2, NM_001162426.2).
Identifiers: ClinVar variation 1126935 (VCV001126935.10), dbSNP rs2132264554, ClinGen allele CA2499219742.